The following is an entry in ClinVar:

ClinVar aggregate classification (germline): Uncertain significance (1 of 4 stars; one submission).

Conditions:
Renal cell carcinoma. Identifiers: Orphanet 217071, MedGen C0007134, MeSH D002292, MONDO:0005086, HP:0005584.

Allele frequency attached by ClinVar (database versions not stated): gnomAD exomes below 0.00001.
gnomAD v4.1: 2 of 1,614,046 alleles (0.00012%); highest among the groups gnomAD compares: Non-Finnish European, 0.00017%; no homozygotes.

Submission:

Labcorp Genetics (formerly Invitae), Labcorp
Classification: Uncertain significance for Renal cell carcinoma. Last evaluated: 2020-10-13. Review status: criteria provided, single submitter. Criteria: Invitae Variant Classification Sherloc (09022015). Collection method: clinical testing. Allele origin: germline.
Comment: This sequence change replaces valine with isoleucine at codon 1157 of the MET protein (p.Val1157Ile). The valine residue is highly conserved and there is a small physicochemical difference between valine and isoleucine. This variant is not present in population databases (ExAC no frequency). This variant has not been reported in the literature in individuals with MET-related conditions. Algorithms developed to predict the effect of missense changes on protein structure and function (SIFT, PolyPhen-2, Align-GVGD) all suggest that this variant is likely to be disruptive, but these predictions have not been confirmed by published functional studies and their clinical significance is uncertain. In summary, the available evidence is currently insufficient to determine the role of this variant in disease. Therefore, it has been classified as a Variant of Uncertain Significance.

NM_000245.4(MET):c.3415G>A (p.Val1139Ile)

Gene: MET (MET proto-oncogene, receptor tyrosine kinase; plus strand). Cytogenetic location: 7q31.2.
Variant type: single nucleotide variant.
Coding change: c.3415G>A on transcript NM_000245.4 (MANE Select); coding-DNA position 3415, G replaced by A.
Protein change: p.Val1139Ile; replaces valine 1139 with isoleucine.
Molecular consequence: missense variant.
Genome position (GRCh38, 1-based): chr7:116,778,850, G>A. VCF-style: chr7-116778850-G-A. GRCh37 (hg19) VCF-style: chr7-116418904-G-A.
Other names: c.3469G>A, p.Val1157Ile (NM_001127500.3); c.2125G>A, p.Val709Ile (NM_001324402.2); short protein forms V1139I, V1157I, V709I.
Identifiers: ClinVar variation 1020846 (VCV001020846.8), dbSNP rs1795069790, ClinGen allele CA368990108.